The following is an entry in ClinVar:

NM_001743.6(CALM2):c.285+3A>G

Gene: CALM2 (calmodulin 2; minus strand). Cytogenetic location: 2p21.
Variant type: single nucleotide variant.
Coding change: c.285+3A>G on transcript NM_001743.6 (MANE Select); 3 bases into the intron after coding-DNA position 285, A replaced by G.
Molecular consequence: intron variant.
Genome position (GRCh38, 1-based): chr2:47,162,283, T>C on the plus strand (A>G on the coding strand, the complement: CALM2 is on the minus strand). VCF-style: chr2-47162283-T-C. GRCh37 (hg19) VCF-style: chr2-47389422-T-C.
Other names: c.429+3A>G (NM_001305624.1); c.177+3A>G (NM_001305626.1, NM_001305625.2).
Identifiers: ClinVar variation 2891837 (VCV002891837.3), dbSNP rs2465708776, ClinGen allele CA2739274460.

ClinVar aggregate classification (germline): Uncertain significance (1 of 4 stars; one submission).

Conditions:
Long QT syndrome 1 (LQT1). Identifiers: Orphanet 101016, Orphanet 768, MedGen C4551647, MONDO:0100316, OMIM 192500, MONDO:0008646.

Submission:

Labcorp Genetics (formerly Invitae), Labcorp
Classification: Uncertain significance for Long QT syndrome 1. Last evaluated: 2024-09-29. Review status: criteria provided, single submitter. Criteria: Invitae Variant Classification Sherloc (09022015). Collection method: clinical testing. Allele origin: germline.
Comment: This sequence change falls in intron 4 of the CALM2 gene. It does not directly change the encoded amino acid sequence of the CALM2 protein. It affects a nucleotide within the consensus splice site. This variant is not present in population databases (gnomAD no frequency). This variant has not been reported in the literature in individuals affected with CALM2-related conditions. Variants that disrupt the consensus splice site are a relatively common cause of aberrant splicing (PMID: 17576681, 9536098). Algorithms developed to predict the effect of sequence changes on RNA splicing suggest that this variant is not likely to affect RNA splicing. In summary, the available evidence is currently insufficient to determine the role of this variant in disease. Therefore, it has been classified as a Variant of Uncertain Significance.

Literature cited by the submitters: PubMed 17576681; PubMed 9536098.